The following is an entry in ClinVar:

ClinVar aggregate classification (germline): Uncertain significance (1 of 4 stars; one submission).

Allele frequency attached by ClinVar (database versions not stated): gnomAD 0.00001; gnomAD exomes 0.00001; TOPMed 0.00001.
gnomAD v4.1: 6 of 1,613,662 alleles (0.00037%); highest among the groups gnomAD compares: African/African-American, 0.0013%; no homozygotes.

Submission:

Labcorp Genetics (formerly Invitae), Labcorp
Classification: Uncertain significance. Last evaluated: 2021-08-27. Review status: criteria provided, single submitter. Criteria: Invitae Variant Classification Sherloc (09022015). Collection method: clinical testing. Allele origin: germline.
Comment: This sequence change replaces arginine with glycine at codon 90 of the TTPA protein (p.Arg90Gly). The arginine residue is highly conserved and there is a moderate physicochemical difference between arginine and glycine. This variant is not present in population databases (ExAC no frequency). This variant has not been reported in the literature in individuals affected with TTPA-related conditions. Algorithms developed to predict the effect of missense changes on protein structure and function output the following: SIFT: "Deleterious"; PolyPhen-2: "Benign"; Align-GVGD: "Class C0". The glycine amino acid residue is found in multiple mammalian species, which suggests that this missense change does not adversely affect protein function. In summary, the available evidence is currently insufficient to determine the role of this variant in disease. Therefore, it has been classified as a Variant of Uncertain Significance.

NM_000370.3(TTPA):c.268A>G (p.Arg90Gly)

Gene: TTPA (alpha tocopherol transfer protein; minus strand). Cytogenetic location: 8q12.3.
Variant type: single nucleotide variant.
Coding change: c.268A>G on transcript NM_000370.3 (MANE Select); coding-DNA position 268, A replaced by G.
Protein change: p.Arg90Gly; replaces arginine 90 with glycine.
Molecular consequence: missense variant.
Genome position (GRCh38, 1-based): chr8:63,073,025, T>C on the plus strand (A>G on the coding strand, the complement: TTPA is on the minus strand). VCF-style: chr8-63073025-T-C. GRCh37 (hg19) VCF-style: chr8-63985584-T-C.
Other names: short protein forms R90G.
Identifiers: ClinVar variation 1420755 (VCV001420755.5), dbSNP rs1805506509, ClinGen allele CA371333835.